The following is an entry in ClinVar:

NM_006846.4(SPINK5):c.2478T>A (p.Asp826Glu)

Gene: SPINK5 (serine peptidase inhibitor Kazal type 5; plus strand). Cytogenetic location: 5q32.
Variant type: single nucleotide variant.
Coding change: c.2478T>A on transcript NM_006846.4 (MANE Select); coding-DNA position 2478, T replaced by A.
Protein change: p.Asp826Glu; replaces aspartic acid 826 with glutamic acid.
Molecular consequence: missense variant.
Genome position (GRCh38, 1-based): chr5:148,120,331, T>A. VCF-style: chr5-148120331-T-A. GRCh37 (hg19) VCF-style: chr5-147499894-T-A.
Other names: c.2478T>A, p.Asp826Glu (NM_001127698.2, NM_001127699.2); short protein forms D826E.
Identifiers: ClinVar variation 1928083 (VCV001928083.2), dbSNP rs775974990, ClinGen allele CA3496007.

ClinVar aggregate classification (germline): Uncertain significance (1 of 4 stars; one submission).

Conditions:
Netherton syndrome (NETH). Also called: NETHERTON DISEASE; ERYTHRODERMA, ICHTHYOSIFORM, WITH HYPOTRICHOSIS AND HYPER-IgE; COMEL-NETHERTON SYNDROME. Identifiers: Orphanet 634, MedGen C5574950, MONDO:0009735, OMIM 256500.

Allele frequency attached by ClinVar (database versions not stated): ExAC 0.00005.

Submission:

Labcorp Genetics (formerly Invitae), Labcorp
Classification: Uncertain significance for Ichthyosis linearis circumflexa. Last evaluated: 2021-08-28. Review status: criteria provided, single submitter. Criteria: Invitae Variant Classification Sherloc (09022015). Collection method: clinical testing. Allele origin: germline.
Comment: This sequence change replaces aspartic acid with glutamic acid at codon 826 of the SPINK5 protein (p.Asp826Glu). The aspartic acid residue is moderately conserved and there is a small physicochemical difference between aspartic acid and glutamic acid. This variant is present in population databases (rs775974990, ExAC 0.03%). This variant has not been reported in the literature in individuals affected with SPINK5-related conditions. Algorithms developed to predict the effect of missense changes on protein structure and function output the following: SIFT: "Tolerated"; PolyPhen-2: "Benign"; Align-GVGD: "Class C0". The glutamic acid amino acid residue is found in multiple mammalian species, which suggests that this missense change does not adversely affect protein function. In summary, the available evidence is currently insufficient to determine the role of this variant in disease. Therefore, it has been classified as a Variant of Uncertain Significance.